The following is an entry in ClinVar:

NM_145038.5(DRC1):c.1397-15A>G

Gene: DRC1 (dynein regulatory complex subunit 1; plus strand). Cytogenetic location: 2p23.3.
Variant type: single nucleotide variant.
Coding change: c.1397-15A>G on transcript NM_145038.5 (MANE Select); 15 bases into the intron before coding-DNA position 1397, A replaced by G.
Molecular consequence: intron variant.
Genome position (GRCh38, 1-based): chr2:26,448,676, A>G. VCF-style: chr2-26448676-A-G. GRCh37 (hg19) VCF-style: chr2-26671544-A-G.
Identifiers: ClinVar variation 262565 (VCV000262565.18), dbSNP rs4072407, ClinGen allele CA1562241.
Genomic context (GRCh38, chr2:26,448,676, plus strand): 5'-CTGTTTCTCAGAGTCAACTAGCTCCAGAAATTATCTTCTTTTTCTTTCTCTCTCCTCCCC[A>G]TGACCCAACTGCAGAAGAGGAGGAGGCAGAAGAGGCCGCCGCGGAACCAGAGTCCTACCT-3'

ClinVar aggregate classification (germline): Benign/Likely benign. Review status: criteria provided, multiple submitters, no conflicts (2 of 4 stars). 6 submissions from 6 submitters: Benign (5); Likely benign (1). Last evaluated 2026-02-04.

Conditions:
Primary ciliary dyskinesia 21. Also called: CILIARY DYSKINESIA, PRIMARY, 21, WITHOUT SITUS INVERSUS. Identifiers: Orphanet 244, MedGen C3809087, MONDO:0014123, OMIM 615294.
Primary ciliary dyskinesia. Also called: Ciliary dyskinesia. Identifiers: Orphanet 244, MedGen C0008780, MONDO:0016575, HP:0012265.

Allele frequency attached by ClinVar (database versions not stated): 1000 Genomes Project 30x 0.52826; 1000 Genomes Project 0.53035; TOPMed 0.62455; gnomAD 0.66234 and 0.66267; ESP Exome Variant Server 0.67846; gnomAD exomes 0.71436 and 0.78425; ExAC 0.71572.
gnomAD v4.1: 1,244,580 of 1,612,870 alleles (77%); highest among the groups gnomAD compares: Non-Finnish European, 82%; 496,994 homozygotes.

Submissions (6):

Labcorp Genetics (formerly Invitae), Labcorp
Classification: Benign for Primary ciliary dyskinesia. Last evaluated: 2026-02-04. Review status: criteria provided, single submitter. Criteria: Invitae Variant Classification Sherloc (09022015). Collection method: clinical testing. Allele origin: germline.

Blueprint Genetics
Classification: Likely benign. Last evaluated: 2024-11-26. Review status: criteria provided, single submitter. Criteria: ACMG Guidelines, 2015. Collection method: clinical testing. Allele origin: germline.

Genome-Nilou Lab
Classification: Benign for Primary ciliary dyskinesia 21. Last evaluated: 2021-07-30. Review status: criteria provided, single submitter. Criteria: ACMG Guidelines, 2015. Collection method: clinical testing. Allele origin: germline. Affected: no.

Laboratory for Molecular Medicine, Mass General Brigham Personalized Medicine
Classification: Benign. Last evaluated: 2016-03-29. Review status: criteria provided, single submitter. Criteria: LMM Criteria. Collection method: clinical testing. Allele origin: germline.
Comment: Variant identified in a genome or exome case(s) and assessed due to predicted null impact of the variant or pathogenic assertions in the literature or databases. Disclaimer: This variant has not undergone full assessment. The following are preliminary notes: Frequency

Breakthrough Genomics
Classification: Benign. Review status: criteria provided, single submitter. Criteria: ACMG Guidelines, 2015. Collection method: not provided. Allele origin: germline. Inheritance: Autosomal recessive inheritance. Affected: yes.

PreventionGenetics, part of Exact Sciences
Classification: Benign. Review status: criteria provided, single submitter. Criteria: ACMG Guidelines, 2015. Collection method: clinical testing. Allele origin: germline.